The following is an entry in ClinVar:

ClinVar aggregate classification (germline): Uncertain significance (1 of 4 stars; one submission).

Conditions:
Charcot-Marie-Tooth disease type 2. Also called: Charcot-Marie-Tooth type 2. Identifiers: Orphanet 64746, MedGen C0270914, MONDO:0018993.

Allele frequency attached by ClinVar (database versions not stated): gnomAD exomes 0.00003 and 0.00001; ExAC 0.00004.
gnomAD v4.1: 18 of 1,614,224 alleles (0.0011%); highest among the groups gnomAD compares: South Asian, 0.014%; no homozygotes.

Submission:

Labcorp Genetics (formerly Invitae), Labcorp
Classification: Uncertain significance for Charcot-Marie-Tooth disease type 2. Last evaluated: 2020-11-14. Review status: criteria provided, single submitter. Criteria: Invitae Variant Classification Sherloc (09022015). Collection method: clinical testing. Allele origin: germline.
Comment: This variant is present in population databases (rs756800190, ExAC 0.02%). This variant has not been reported in the literature in individuals with MFN2-related conditions. Advanced modeling of protein sequence and biophysical properties (such as structural, functional, and spatial information, amino acid conservation, physicochemical variation, residue mobility, and thermodynamic stability) performed at Invitae indicates that this missense variant is not expected to disrupt MFN2 protein function. In summary, the available evidence is currently insufficient to determine the role of this variant in disease. Therefore, it has been classified as a Variant of Uncertain Significance. This sequence change replaces glutamic acid with lysine at codon 391 of the MFN2 protein (p.Glu391Lys). The glutamic acid residue is weakly conserved and there is a small physicochemical difference between glutamic acid and lysine.

NM_014874.4(MFN2):c.1171G>A (p.Glu391Lys)

Gene: MFN2 (mitofusin 2; plus strand). Cytogenetic location: 1p36.22.
Variant type: single nucleotide variant.
Coding change: c.1171G>A on transcript NM_014874.4 (MANE Select); coding-DNA position 1171, G replaced by A.
Protein change: p.Glu391Lys; replaces glutamic acid 391 with lysine.
Molecular consequence: missense variant.
Genome position (GRCh38, 1-based): chr1:12,004,002, G>A. VCF-style: chr1-12004002-G-A. GRCh37 (hg19) VCF-style: chr1-12064059-G-A.
Other names: c.1171G>A, p.Glu391Lys (NM_001127660.2); short protein forms E391K.
Identifiers: ClinVar variation 1462725 (VCV001462725.8), dbSNP rs756800190, ClinGen allele CA599040.